The following is an entry in ClinVar:

ClinVar aggregate classification (germline): Uncertain significance (1 of 4 stars; one submission).

Allele frequency attached by ClinVar (database versions not stated): gnomAD exomes 0.00001; ExAC 0.00002.
gnomAD v4.1: 8 of 1,613,944 alleles (0.0005%); highest among the groups gnomAD compares: Admixed American, 0.005%; no homozygotes.

Submission:

Labcorp Genetics (formerly Invitae), Labcorp
Classification: Uncertain significance. Last evaluated: 2025-01-13. Review status: criteria provided, single submitter. Criteria: Invitae Variant Classification Sherloc (09022015). Collection method: clinical testing. Allele origin: germline.
Comment: This sequence change replaces glycine, which is neutral and non-polar, with serine, which is neutral and polar, at codon 280 of the SLC25A19 protein (p.Gly280Ser). This variant is present in population databases (rs561002779, gnomAD 0.009%). This variant has not been reported in the literature in individuals affected with SLC25A19-related conditions. ClinVar contains an entry for this variant (Variation ID: 1927596). Invitae Evidence Modeling of protein sequence and biophysical properties (such as structural, functional, and spatial information, amino acid conservation, physicochemical variation, residue mobility, and thermodynamic stability) indicates that this missense variant is not expected to disrupt SLC25A19 protein function with a negative predictive value of 80%. In summary, the available evidence is currently insufficient to determine the role of this variant in disease. Therefore, it has been classified as a Variant of Uncertain Significance.

NM_001126121.2(SLC25A19):c.838G>A (p.Gly280Ser)

Genes: MIF4GD-DT (MIF4GD divergent transcript; plus strand), SLC25A19 (solute carrier family 25 member 19; minus strand). Cytogenetic location: 17q25.1.
Variant type: single nucleotide variant.
Coding change: c.838G>A on transcript NM_001126121.2 (MANE Select); coding-DNA position 838, G replaced by A.
Protein change: p.Gly280Ser; replaces glycine 280 with serine.
Molecular consequence: missense variant. On other transcripts: non-coding transcript variant (1).
Genome position (GRCh38, 1-based): chr17:75,273,576, C>T on the plus strand (G>A on the coding strand, the complement: SLC25A19 is on the minus strand). VCF-style: chr17-75273576-C-T. GRCh37 (hg19) VCF-style: chr17-73269657-C-T.
Other names: c.838G>A, p.Gly280Ser (NM_001126122.2, NM_021734.5); short protein forms G280S.
Identifiers: ClinVar variation 1927596 (VCV001927596.5), dbSNP rs561002779, ClinGen allele CA8760871.
Genomic context (GRCh38, chr17:75,273,576, plus strand): 5'-ACATGAAGCCTGTGGAGAGGGCAGCCTTCAGCAAGCTGGGGGACAGGCCCTTGAAGAAGC[C>T]CAGGGCGCCTTCCTTTTGCAGCACCTGCTTGGCACAGTCCATGAGGCCCTTGTATCTCCG-3'
Protein context (NP_001119593.1, residues 270-290): KQVLQKEGAL[Gly280Ser]FFKGLSPSLL